The following is an entry in ClinVar:

NM_022166.4(XYLT1):c.1441C>T (p.Arg481Trp)

Gene: XYLT1 (xylosyltransferase 1; minus strand). Cytogenetic location: 16p12.3.
Variant type: single nucleotide variant.
Coding change: c.1441C>T on transcript NM_022166.4 (MANE Select); coding-DNA position 1441, C replaced by T.
Protein change: p.Arg481Trp; replaces arginine 481 with tryptophan.
Molecular consequence: missense variant.
Genome position (GRCh38, 1-based): chr16:17,141,299, G>A on the plus strand (C>T on the coding strand, the complement: XYLT1 is on the minus strand). VCF-style: chr16-17141299-G-A. GRCh37 (hg19) VCF-style: chr16-17235156-G-A.
Other names: c.1441C>T (NM_022166.3); short protein forms R481W.
Identifiers: ClinVar variation 127234 (VCV000127234.2), dbSNP rs587777366, ClinGen allele CA151423.

ClinVar aggregate classification (germline): Uncertain significance. Review status: criteria provided, single submitter (1 of 4 stars). 2 submissions from 2 submitters: Uncertain significance (1). 1 of the submissions does not count toward it. Last evaluated 2026-03-19.

Conditions:
XYLT1-related disorder. Also called: XYLT1-related condition.
Desbuquois dysplasia 2 (DBQD2). Also called: Baratela-Scott syndrome. Identifiers: Orphanet 1425, MedGen C4014294, MONDO:0014343, OMIM 615777.

gnomAD v4.1: 2 of 1,614,130 alleles (0.00012%); highest among the groups gnomAD compares: Non-Finnish European, 0.00017%; no homozygotes.

Submissions (2):

PreventionGenetics, part of Exact Sciences
Classification: Uncertain significance for XYLT1-related condition. Last evaluated: 2026-03-19. Review status: criteria provided, single submitter. Criteria: ACMG Guidelines, 2015. Collection method: clinical testing. Allele origin: germline.
Comment: The XYLT1 c.1441C>T variant is predicted to result in the amino acid substitution p.Arg481Trp. This variant was reported in the homozygous state in two siblings with short stature and intellectual disability (Schreml et al. 2014. PubMed ID: 23982343). This variant has not been reported in a large population database (gnomAD), indicating this variant is rare. At this time, the clinical significance of this variant is uncertain due to the absence of conclusive functional and genetic evidence.

OMIM
Classification: Pathogenic for DESBUQUOIS DYSPLASIA 2. Last evaluated: 2014-01-01. Review status: no assertion criteria provided. Collection method: literature only. Allele origin: germline. Not counted in ClinVar's aggregate classification.

Literature cited by the submitters: PubMed 23982343 (cited by OMIM).